The following is an entry in ClinVar:

NM_001845.6(COL4A1):c.3743-15C>T

Gene: COL4A1 (collagen type IV alpha 1 chain; minus strand). Cytogenetic location: 13q34.
Variant type: single nucleotide variant.
Coding change: c.3743-15C>T on transcript NM_001845.6 (MANE Select); 15 bases into the intron before coding-DNA position 3743, C replaced by T.
Molecular consequence: intron variant.
Genome position (GRCh38, 1-based): chr13:110,169,777, G>A on the plus strand (C>T on the coding strand, the complement: COL4A1 is on the minus strand). VCF-style: chr13-110169777-G-A. GRCh37 (hg19) VCF-style: chr13-110822124-G-A.
Identifiers: ClinVar variation 880648 (VCV000880648.13), dbSNP rs375583789, ClinGen allele CA7047150.

ClinVar aggregate classification (germline): Likely benign. Review status: criteria provided, multiple submitters, no conflicts (2 of 4 stars). 4 submissions from 3 submitters: Likely benign (4). Last evaluated 2026-01-18.

Conditions:
Brain small vessel disease 1 with or without ocular anomalies (BSVD1). Also called: GOULD SYNDROME 1; PORENCEPHALY, TYPE 1, AUTOSOMAL DOMINANT; BRAIN SMALL VESSEL DISEASE WITH HEMORRHAGE; Brain small vessel disease with or without ocular anomalies. Identifiers: Orphanet 2940, Orphanet 36383, Orphanet 99810, MedGen C4755307, MONDO:0008289, OMIM 175780.
Autosomal dominant familial hematuria-retinal arteriolar tortuosity-contractures syndrome. Also called: Hereditary Angiopathy with Nephropathy, Aneurysms, and Muscle Cramps (HANAC) Syndrome; Angiopathy, hereditary, with nephropathy, aneurysms, and muscle cramps. Identifiers: Orphanet 73229, MedGen C2673195, MONDO:0012726, OMIM 611773.

Allele frequency attached by ClinVar (database versions not stated): gnomAD 0.00003 and 0.00004; gnomAD exomes 0.00003 and 0.00009; TOPMed 0.00003; ExAC 0.00005; ESP Exome Variant Server 0.00015.
gnomAD v4.1: 127 of 1,613,716 alleles (0.0079%); highest among the groups gnomAD compares: Non-Finnish European, 0.011%; no homozygotes.

Submissions (4):

Labcorp Genetics (formerly Invitae), Labcorp
Classification: Likely benign. Last evaluated: 2026-01-18. Review status: criteria provided, single submitter. Criteria: Invitae Variant Classification Sherloc (09022015). Collection method: clinical testing. Allele origin: germline.

Women's Health and Genetics/Laboratory Corporation of America, LabCorp
Classification: Likely benign. Last evaluated: 2024-11-26. Review status: criteria provided, single submitter. Criteria: LabCorp Variant Classification Summary - May 2015. Collection method: clinical testing. Allele origin: germline.

Illumina Laboratory Services, Illumina
Classification: Likely benign for Autosomal dominant familial hematuria-retinal arteriolar tortuosity-contractures syndrome. Last evaluated: 2018-01-12. Review status: criteria provided, single submitter. Criteria: ICSL Variant Classification Criteria 13 December 2019. Collection method: clinical testing. Allele origin: germline.
Comment: This variant was observed in the ICSL laboratory as part of a predisposition screen in an ostensibly healthy population. It had not been previously curated by ICSL or reported in the Human Gene Mutation Database (HGMD: prior to June 1st, 2018), and was therefore a candidate for classification through an automated scoring system. Utilizing variant allele frequency, disease prevalence and penetrance estimates, and inheritance mode, an automated score was calculated to assess if this variant is too frequent to cause the disease. Based on the score and internal cut-off values, a variant classified as likely benign is not then subjected to further curation. The score for this variant resulted in a classification of likely benign for this disease.

Illumina Laboratory Services, Illumina
Classification: Likely benign for Brain small vessel disease 1 with or without ocular anomalies. Last evaluated: 2018-01-12. Review status: criteria provided, single submitter. Criteria: ICSL Variant Classification Criteria 13 December 2019. Collection method: clinical testing. Allele origin: germline.
Comment: the same text as in the submission from Illumina Laboratory Services, Illumina above.